The following is an entry in ClinVar:

ClinVar aggregate classification (germline): Uncertain significance (0 of 4 stars; one submission).

Conditions:
PHF3-related disorder. Also called: PHF3-related condition.

Submission:

PreventionGenetics, part of Exact Sciences
Classification: Uncertain significance for PHF3-related condition. Last evaluated: 2024-04-29. Review status: no assertion criteria provided. Collection method: clinical testing. Allele origin: germline.
Comment: The PHF3 c.1793A>C variant is predicted to result in the amino acid substitution p.Asp598Ala. To our knowledge, this variant has not been reported in the literature or in a large population database, indicating this variant is rare. At this time, the clinical significance of this variant is uncertain due to the absence of conclusive functional and genetic evidence.

NM_001370348.2(PHF3):c.1793A>C (p.Asp598Ala)

Gene: PHF3 (PHD finger protein 3; plus strand). Cytogenetic location: 6q12.
Variant type: single nucleotide variant.
Coding change: c.1793A>C on transcript NM_001370348.2 (MANE Select); coding-DNA position 1793, A replaced by C.
Protein change: p.Asp598Ala; replaces aspartic acid 598 with alanine.
Molecular consequence: missense variant. On other transcripts: intron variant (1).
Genome position (GRCh38, 1-based): chr6:63,685,515, A>C. VCF-style: chr6-63685515-A-C. GRCh37 (hg19) VCF-style: chr6-64395416-A-C.
Other names: c.1529A>C, p.Asp510Ala (NM_001290259.2, NM_001370349.2); c.1793A>C, p.Asp598Ala (NM_001290260.2, NM_015153.4); c.-5+5354A>C (NM_001370350.2); short protein forms D510A, D598A.
Identifiers: ClinVar variation 3344615 (VCV003344615.1).